The following is an entry in ClinVar:

ClinVar aggregate classification (germline): Uncertain significance (1 of 4 stars; one submission).

Conditions:
Hereditary spastic paraplegia 28. Also called: Spastic paraplegia 28, autosomal recessive. Identifiers: Orphanet 101008, MedGen C1836295, MONDO:0012256, OMIM 609340.

Allele frequency attached by ClinVar (database versions not stated): gnomAD exomes below 0.00001; ExAC 0.00001.
gnomAD v4.1: 1 of 1,606,370 alleles (0.000062%); highest among the groups gnomAD compares: South Asian, 0.0011%; no homozygotes.

Submission:

Labcorp Genetics (formerly Invitae), Labcorp
Classification: Uncertain significance for Hereditary spastic paraplegia 28. Last evaluated: 2021-06-23. Review status: criteria provided, single submitter. Criteria: Invitae Variant Classification Sherloc (09022015). Collection method: clinical testing. Allele origin: germline.
Comment: In summary, the available evidence is currently insufficient to determine the role of this variant in disease. Therefore, it has been classified as a Variant of Uncertain Significance. Algorithms developed to predict the effect of missense changes on protein structure and function (SIFT, PolyPhen-2, Align-GVGD) all suggest that this variant is likely to be tolerated, but these predictions have not been confirmed by published functional studies and their clinical significance is uncertain. This variant has not been reported in the literature in individuals with DDHD1-related conditions. This variant is present in population databases (rs749084227, ExAC 0.006%). This sequence change replaces proline with leucine at codon 874 of the DDHD1 protein (p.Pro874Leu). The proline residue is weakly conserved and there is a moderate physicochemical difference between proline and leucine.

NM_001160148.2(DDHD1):c.2684C>T (p.Pro895Leu)

Gene: DDHD1 (DDHD domain containing 1; minus strand). Cytogenetic location: 14q22.1.
Variant type: single nucleotide variant.
Coding change: c.2684C>T on transcript NM_001160148.2 (MANE Select); coding-DNA position 2684, C replaced by T.
Protein change: p.Pro895Leu; replaces proline 895 with leucine.
Molecular consequence: missense variant.
Genome position (GRCh38, 1-based): chr14:53,046,787, G>A on the plus strand (C>T on the coding strand, the complement: DDHD1 is on the minus strand). VCF-style: chr14-53046787-G-A. GRCh37 (hg19) VCF-style: chr14-53513505-G-A.
Other names: c.2621C>T, p.Pro874Leu (NM_001160147.2); c.2600C>T, p.Pro867Leu (NM_030637.3); short protein forms P867L, P895L, P874L.
Identifiers: ClinVar variation 1472374 (VCV001472374.8), dbSNP rs749084227, ClinGen allele CA7190914.